The following is an entry in ClinVar:

ClinVar aggregate classification (germline): Uncertain significance (1 of 4 stars; one submission).

Submission:

GeneDx
Classification: Uncertain significance. Last evaluated: 2024-12-06. Review status: criteria provided, single submitter. Criteria: GeneDx Variant Classification Process June 2021. Collection method: clinical testing. Allele origin: germline. Affected: yes.
Comment: Not observed at significant frequency in large population cohorts (gnomAD); In silico analysis supports that this missense variant has a deleterious effect on protein structure/function; Has not been previously published as pathogenic or benign to our knowledge

NM_003470.3(USP7):c.2529A>C (p.Gln843His)

Gene: USP7 (ubiquitin specific peptidase 7; minus strand). Cytogenetic location: 16p13.2.
Variant type: single nucleotide variant.
Coding change: c.2529A>C on transcript NM_003470.3 (MANE Select); coding-DNA position 2529, A replaced by C.
Protein change: p.Gln843His; replaces glutamine 843 with histidine.
Molecular consequence: missense variant. On other transcripts: non-coding transcript variant (1).
Genome position (GRCh38, 1-based): chr16:8,899,123, T>G on the plus strand (A>C on the coding strand, the complement: USP7 is on the minus strand). VCF-style: chr16-8899123-T-G. GRCh37 (hg19) VCF-style: chr16-8992980-T-G.
Other names: c.2481A>C, p.Gln827His (NM_001286457.2); c.2232A>C, p.Gln744His (NM_001286458.2); c.2355A>C, p.Gln785His (NM_001321858.2); short protein forms Q744H, Q785H, Q827H, Q843H.
Identifiers: ClinVar variation 3901597 (VCV003901597.1).
Genomic context (GRCh38, chr16:8,899,123, plus strand): 5'-AATGAACTGTGGAAAGCATGCAGTCAAGACCAAGCAAGTGTCCACACATGTGACCTACCC[T>G]TGAGACTTGAAAAACTGCAGCAACATTGGATCTGTGTTGAGCCTCTGTGCAACTGTCTTT-3'
Protein context (NP_003461.2, residues 833-853): DPMLLQFFKS[Gln843His]GYRDGPGNPL